The following is an entry in ClinVar:

ClinVar aggregate classification (germline): Uncertain significance. Review status: criteria provided, multiple submitters, no conflicts (2 of 4 stars). 5 submissions from 5 submitters: Uncertain significance (3). 2 of the submissions do not count toward it. Last evaluated 2023-03-23.

Conditions:
Bardet-Biedl syndrome (BBS). Identifiers: Orphanet 110, MedGen C0752166, MONDO:0015229.
BBS1-related disorder. Also called: BBS1-related condition.
Inborn genetic diseases. Identifiers: MedGen C0950123, MeSH D030342.
Bardet-Biedl syndrome 1 (BBS1). Identifiers: MedGen C2936862, MONDO:0008854, OMIM 209900. Disease mechanism: loss of function.

Allele frequency attached by ClinVar (database versions not stated): gnomAD 0.00001; gnomAD exomes 0.00001; TOPMed 0.00002.
gnomAD v4.1: 42 of 1,614,044 alleles (0.0026%); highest among the groups gnomAD compares: Non-Finnish European, 0.0031%; no homozygotes.

Submissions (5):

Ambry Genetics
Classification: Uncertain significance for Inborn genetic diseases. Last evaluated: 2023-03-23. Review status: criteria provided, single submitter. Criteria: Ambry Variant Classification Scheme 2023. Collection method: clinical testing. Allele origin: germline.

Labcorp Genetics (formerly Invitae), Labcorp
Classification: Uncertain significance for Bardet-Biedl syndrome. Last evaluated: 2022-10-17. Review status: criteria provided, single submitter. Criteria: Invitae Variant Classification Sherloc (09022015). Collection method: clinical testing. Allele origin: germline.
Comment: This sequence change replaces proline, which is neutral and non-polar, with leucine, which is neutral and non-polar, at codon 81 of the BBS1 protein (p.Pro81Leu). This variant is present in population databases (no rsID available, gnomAD 0.002%). This variant has not been reported in the literature in individuals affected with BBS1-related conditions. ClinVar contains an entry for this variant (Variation ID: 951302). Advanced modeling of protein sequence and biophysical properties (such as structural, functional, and spatial information, amino acid conservation, physicochemical variation, residue mobility, and thermodynamic stability) performed at Invitae indicates that this missense variant is not expected to disrupt BBS1 protein function. In summary, the available evidence is currently insufficient to determine the role of this variant in disease. Therefore, it has been classified as a Variant of Uncertain Significance.

Blueprint Genetics
Classification: Uncertain significance. Last evaluated: 2020-09-18. Review status: criteria provided, single submitter. Criteria: ACMG Guidelines, 2015. Collection method: clinical testing. Allele origin: germline.

PreventionGenetics, part of Exact Sciences
Classification: Uncertain significance for BBS1-related condition. Last evaluated: 2024-03-29. Review status: no assertion criteria provided. Collection method: clinical testing. Allele origin: germline. Not counted in ClinVar's aggregate classification.
Comment: The BBS1 c.242C>T variant is predicted to result in the amino acid substitution p.Pro81Leu. To our knowledge, this variant has not been reported in the literature. This variant is reported in 0.0026% of alleles in individuals of European (Non-Finnish) descent in gnomAD. At this time, the clinical significance of this variant is uncertain due to the absence of conclusive functional and genetic evidence.

Natera, Inc.
Classification: Uncertain significance for Bardet-Biedl syndrome type 1. Last evaluated: 2020-04-14. Review status: no assertion criteria provided. Collection method: clinical testing. Allele origin: germline. Not counted in ClinVar's aggregate classification.

NM_024649.5(BBS1):c.242C>T (p.Pro81Leu)

Gene: BBS1 (Bardet-Biedl syndrome 1; plus strand). Cytogenetic location: 11q13.2.
Variant type: single nucleotide variant.
Coding change: c.242C>T on transcript NM_024649.5 (MANE Select); coding-DNA position 242, C replaced by T.
Protein change: p.Pro81Leu; replaces proline 81 with leucine.
Molecular consequence: missense variant.
Genome position (GRCh38, 1-based): chr11:66,514,488, C>T. VCF-style: chr11-66514488-C-T. GRCh37 (hg19) VCF-style: chr11-66281959-C-T.
Other names: short protein forms P81L.
Identifiers: ClinVar variation 951302 (VCV000951302.11), dbSNP rs1479663514, ClinGen allele CA381456153.